The following is an entry in ClinVar:

NM_004380.3(CREBBP):c.5962A>T (p.Met1988Leu)

Gene: CREBBP (CREB binding lysine acetyltransferase; minus strand). Cytogenetic location: 16p13.3.
Variant type: single nucleotide variant.
Coding change: c.5962A>T on transcript NM_004380.3 (MANE Select); coding-DNA position 5962, A replaced by T.
Protein change: p.Met1988Leu; replaces methionine 1988 with leucine.
Molecular consequence: missense variant.
Genome position (GRCh38, 1-based): chr16:3,729,085, T>A on the plus strand (A>T on the coding strand, the complement: CREBBP is on the minus strand). VCF-style: chr16-3729085-T-A. GRCh37 (hg19) VCF-style: chr16-3779086-T-A.
Other names: c.5848A>T, p.Met1950Leu (NM_001079846.1); short protein forms M1950L, M1988L.
Identifiers: ClinVar variation 2310619 (VCV002310619.4), dbSNP rs1180158800, ClinGen allele CA394554819.

ClinVar aggregate classification (germline): Uncertain significance. Review status: criteria provided, multiple submitters, no conflicts (2 of 4 stars). 2 submissions from 2 submitters: Uncertain significance (2). Last evaluated 2024-12-05.

Conditions:
Rubinstein-Taybi syndrome (RSTS). Identifiers: Orphanet 783, MedGen C0035934, MONDO:0019188.
Inborn genetic diseases. Identifiers: MedGen C0950123, MeSH D030342.

Submissions (2):

Labcorp Genetics (formerly Invitae), Labcorp
Classification: Uncertain significance for Rubinstein-Taybi syndrome. Last evaluated: 2024-12-05. Review status: criteria provided, single submitter. Criteria: Invitae Variant Classification Sherloc (09022015). Collection method: clinical testing. Allele origin: germline.
Comment: This sequence change replaces methionine, which is neutral and non-polar, with leucine, which is neutral and non-polar, at codon 1988 of the CREBBP protein (p.Met1988Leu). This variant is not present in population databases (gnomAD no frequency). This variant has not been reported in the literature in individuals affected with CREBBP-related conditions. ClinVar contains an entry for this variant (Variation ID: 2310619). Invitae Evidence Modeling of protein sequence and biophysical properties (such as structural, functional, and spatial information, amino acid conservation, physicochemical variation, residue mobility, and thermodynamic stability) indicates that this missense variant is not expected to disrupt CREBBP protein function with a negative predictive value of 95%. In summary, the available evidence is currently insufficient to determine the role of this variant in disease. Therefore, it has been classified as a Variant of Uncertain Significance.

Ambry Genetics
Classification: Uncertain significance for Inborn genetic diseases. Last evaluated: 2022-09-06. Review status: criteria provided, single submitter. Criteria: Ambry Variant Classification Scheme 2023. Collection method: clinical testing. Allele origin: germline.